The following is an entry in ClinVar:

NM_016333.4(SRRM2):c.4074G>A (p.Pro1358=)

Gene: SRRM2 (serine/arginine repetitive matrix 2; plus strand). Cytogenetic location: 16p13.3.
Variant type: single nucleotide variant.
Coding change: c.4074G>A on transcript NM_016333.4 (MANE Select); coding-DNA position 4074, G replaced by A.
Protein change: p.Pro1358=; no amino-acid change (proline 1358 retained).
Molecular consequence: synonymous variant.
Genome position (GRCh38, 1-based): chr16:2,764,602, G>A. VCF-style: chr16-2764602-G-A. GRCh37 (hg19) VCF-style: chr16-2814603-G-A.
Identifiers: ClinVar variation 4874377 (VCV004874377.2).

ClinVar aggregate classification (germline): Likely benign (1 of 4 stars; one submission).

gnomAD v4.1: 43 of 1,614,040 alleles (0.0027%); highest among the groups gnomAD compares: Admixed American, 0.028%; no homozygotes.

Submission:

CeGaT Center for Human Genetics Tuebingen
Classification: Likely benign. Last evaluated: 2026-06-01. Review status: criteria provided, single submitter. Criteria: CeGaT Center For Human Genetics Tuebingen Variant Classification Criteria Version 2. Collection method: clinical testing. Allele origin: germline. Affected: yes. Observed: 1 variant allele.
Comment: SRRM2: BP4, BP7